The following is an entry in ClinVar:

ClinVar aggregate classification (germline): Uncertain significance. Review status: criteria provided, multiple submitters, no conflicts (2 of 4 stars). 2 submissions from 2 submitters: Uncertain significance (2). Last evaluated 2024-10-01.

Conditions:
Inborn genetic diseases. Identifiers: MedGen C0950123, MeSH D030342.

Allele frequency attached by ClinVar (database versions not stated): ExAC 0.00001.
gnomAD v4.1: 11 of 1,614,196 alleles (0.00068%); highest among the groups gnomAD compares: Admixed American, 0.0017%; no homozygotes.

Submissions (2):

Ambry Genetics
Classification: Uncertain significance for Inborn genetic diseases. Last evaluated: 2024-10-01. Review status: criteria provided, single submitter. Criteria: Ambry Variant Classification Scheme 2023. Collection method: clinical testing. Allele origin: germline.

Labcorp Genetics (formerly Invitae), Labcorp
Classification: Uncertain significance. Last evaluated: 2022-07-06. Review status: criteria provided, single submitter. Criteria: Invitae Variant Classification Sherloc (09022015). Collection method: clinical testing. Allele origin: germline.
Comment: In summary, the available evidence is currently insufficient to determine the role of this variant in disease. Therefore, it has been classified as a Variant of Uncertain Significance. Algorithms developed to predict the effect of missense changes on protein structure and function are either unavailable or do not agree on the potential impact of this missense change (SIFT: "Not Available"; PolyPhen-2: "Possibly Damaging"; Align-GVGD: "Not Available"). This variant has not been reported in the literature in individuals affected with UNC45A-related conditions. This variant is present in population databases (rs748799860, gnomAD 0.0009%). This sequence change replaces arginine, which is basic and polar, with glycine, which is neutral and non-polar, at codon 107 of the UNC45A protein (p.Arg107Gly).

NM_018671.5(UNC45A):c.319C>G (p.Arg107Gly)

Gene: UNC45A (unc-45 myosin chaperone A; plus strand). Cytogenetic location: 15q26.1.
Variant type: single nucleotide variant.
Coding change: c.319C>G on transcript NM_018671.5 (MANE Select); coding-DNA position 319, C replaced by G.
Protein change: p.Arg107Gly; replaces arginine 107 with glycine.
Molecular consequence: missense variant. On other transcripts: 5 prime UTR variant (1).
Genome position (GRCh38, 1-based): chr15:90,936,353, C>G. VCF-style: chr15-90936353-C-G. GRCh37 (hg19) VCF-style: chr15-91479583-C-G.
Other names: c.274C>G, p.Arg92Gly (NM_001039675.2, NM_001323621.2); c.319C>G, p.Arg107Gly (NM_001323619.1); c.-117C>G (NM_001323620.2); c.319C>G (NM_018671.3); short protein forms R107G, R92G.
Identifiers: ClinVar variation 1918000 (VCV001918000.4), dbSNP rs748799860, ClinGen allele CA7742498.
Genomic context (GRCh38, chr15:90,936,353, plus strand): 5'-AAGGATGGTGGGGATGTCAAAGCACTCTACCGGCGGAGCCAAGCCCTAGAGAAGCTGGGC[C>G]GCCTGGACCAGGCTGTCCTTGACCTGCAGAGATGTGTGAGCTTGGAGCCCAAGAACAAAG-3'
Protein context (NP_061141.2, residues 97-117): RRSQALEKLG[Arg107Gly]LDQAVLDLQR